The following is an entry in ClinVar:

ClinVar aggregate classification (germline): Uncertain significance. Review status: criteria provided, multiple submitters, no conflicts (2 of 4 stars). 3 submissions from 3 submitters: Uncertain significance (3). Last evaluated 2025-03-31.

Conditions:
Dyskeratosis congenita, autosomal dominant 2. Identifiers: MedGen C3151443, MONDO:0013521, OMIM 613989.
Idiopathic Pulmonary Fibrosis. Also called: Idiopathic fibrosing alveolitis, chronic form; idiopathic fibrosing alveolitis. Identifiers: Orphanet 2032, MedGen C1800706, MeSH D054990, MONDO:0800504.
Dyskeratosis congenita. Identifiers: Orphanet 1775, MedGen C0265965, MONDO:0015780.

Allele frequency attached by ClinVar (database versions not stated): gnomAD exomes below 0.00001.
gnomAD v4.1: 1 of 1,611,738 alleles (0.000062%); highest among the groups gnomAD compares: South Asian, 0.0011%; no homozygotes.

Submissions (3):

Labcorp Genetics (formerly Invitae), Labcorp
Classification: Uncertain significance for Dyskeratosis congenita, autosomal dominant 2; Idiopathic Pulmonary Fibrosis. Last evaluated: 2025-03-31. Review status: criteria provided, single submitter. Criteria: Invitae Variant Classification Sherloc (09022015). Collection method: clinical testing. Allele origin: germline.
Comment: This sequence change replaces glycine, which is neutral and non-polar, with glutamic acid, which is acidic and polar, at codon 1109 of the TERT protein (p.Gly1109Glu). This variant is not present in population databases (gnomAD no frequency). This variant has not been reported in the literature in individuals affected with TERT-related conditions. ClinVar contains an entry for this variant (Variation ID: 1730252). Invitae Evidence Modeling of protein sequence and biophysical properties (such as structural, functional, and spatial information, amino acid conservation, physicochemical variation, residue mobility, and thermodynamic stability) indicates that this missense variant is not expected to disrupt TERT protein function with a negative predictive value of 95%. In summary, the available evidence is currently insufficient to determine the role of this variant in disease. Therefore, it has been classified as a Variant of Uncertain Significance.

Ambry Genetics
Classification: Uncertain significance for Dyskeratosis congenita. Last evaluated: 2022-09-11. Review status: criteria provided, single submitter. Criteria: Ambry Variant Classification Scheme 2023. Collection method: clinical testing. Allele origin: germline.
Comment: The p.G1109E variant (also known as c.3326G>A), located in coding exon 16 of the TERT gene, results from a G to A substitution at nucleotide position 3326. The glycine at codon 1109 is replaced by glutamic acid, an amino acid with similar properties. This amino acid position is conserved. In addition, this alteration is predicted to be tolerated by in silico analysis. Since supporting evidence is limited at this time, the clinical significance of this alteration remains unclear.

GeneDx
Classification: Uncertain significance. Last evaluated: 2022-07-22. Review status: criteria provided, single submitter. Criteria: GeneDx Variant Classification Process June 2021. Collection method: clinical testing. Allele origin: germline. Affected: yes.
Comment: Not observed at significant frequency in large population cohorts (gnomAD); In silico analysis supports that this missense variant does not alter protein structure/function; Has not been previously published as pathogenic or benign to our knowledge

NM_198253.3(TERT):c.3326G>A (p.Gly1109Glu)

Gene: TERT (telomerase reverse transcriptase; minus strand). Cytogenetic location: 5p15.33.
Variant type: single nucleotide variant.
Coding change: c.3326G>A on transcript NM_198253.3 (MANE Select); coding-DNA position 3326, G replaced by A.
Protein change: p.Gly1109Glu; replaces glycine 1109 with glutamic acid.
Molecular consequence: missense variant. On other transcripts: non-coding transcript variant (2).
Genome position (GRCh38, 1-based): chr5:1,253,801, C>T on the plus strand (G>A on the coding strand, the complement: TERT is on the minus strand). VCF-style: chr5-1253801-C-T. GRCh37 (hg19) VCF-style: chr5-1253916-C-T.
Other names: c.3137G>A, p.Gly1046Glu (NM_001193376.3); c.3326G>A, p.Gly1109Glu (NM_003219.1); short protein forms G1046E, G1109E.
Identifiers: ClinVar variation 1730252 (VCV001730252.7), dbSNP rs185829989, ClinGen allele CA112922590.